The following is an entry in ClinVar:

NM_018713.3(SLC30A10):c.1360G>T (p.Ala454Ser)

Gene: SLC30A10 (solute carrier family 30 member 10; minus strand). Cytogenetic location: 1q41.
Variant type: single nucleotide variant.
Coding change: c.1360G>T on transcript NM_018713.3 (MANE Select); coding-DNA position 1360, G replaced by T.
Protein change: p.Ala454Ser; replaces alanine 454 with serine.
Molecular consequence: missense variant. On other transcripts: non-coding transcript variant (2).
Genome position (GRCh38, 1-based): chr1:219,915,547, C>A on the plus strand (G>T on the coding strand, the complement: SLC30A10 is on the minus strand). VCF-style: chr1-219915547-C-A. GRCh37 (hg19) VCF-style: chr1-220088889-C-A.
Other names: c.1171G>T, p.Ala391Ser (NM_001376929.1); c.685G>T, p.Ala229Ser (NM_001416004.1, NM_001416005.1); short protein forms A391S, A454S, A229S.
Identifiers: ClinVar variation 1957871 (VCV001957871.5), dbSNP rs1659514322, ClinGen allele CA344731432.

ClinVar aggregate classification (germline): Uncertain significance (1 of 4 stars; one submission).

Submission:

Labcorp Genetics (formerly Invitae), Labcorp
Classification: Uncertain significance. Last evaluated: 2022-05-13. Review status: criteria provided, single submitter. Criteria: Invitae Variant Classification Sherloc (09022015). Collection method: clinical testing. Allele origin: germline.
Comment: In summary, the available evidence is currently insufficient to determine the role of this variant in disease. Therefore, it has been classified as a Variant of Uncertain Significance. Algorithms developed to predict the effect of missense changes on protein structure and function (SIFT, PolyPhen-2, Align-GVGD) all suggest that this variant is likely to be tolerated. This variant has not been reported in the literature in individuals affected with SLC30A10-related conditions. This variant is not present in population databases (gnomAD no frequency). This sequence change replaces alanine, which is neutral and non-polar, with serine, which is neutral and polar, at codon 454 of the SLC30A10 protein (p.Ala454Ser).